The following is an entry in ClinVar:

NM_020937.4(FANCM):c.1848G>T (p.Arg616Ser)

Gene: FANCM (FA complementation group M; plus strand). Cytogenetic location: 14q21.2.
Variant type: single nucleotide variant.
Coding change: c.1848G>T on transcript NM_020937.4 (MANE Select); coding-DNA position 1848, G replaced by T.
Protein change: p.Arg616Ser; replaces arginine 616 with serine.
Molecular consequence: missense variant.
Genome position (GRCh38, 1-based): chr14:45,167,009, G>T. VCF-style: chr14-45167009-G-T. GRCh37 (hg19) VCF-style: chr14-45636212-G-T.
Other names: c.1770G>T, p.Arg590Ser (NM_001308133.2); c.1848G>T, p.Arg616Ser (NM_001308134.2); short protein forms R616S, R590S.
Identifiers: ClinVar variation 3848520 (VCV003848520.1).

ClinVar aggregate classification (germline): Uncertain significance (1 of 4 stars; one submission).

Conditions:
Inborn genetic diseases. Identifiers: MedGen C0950123, MeSH D030342.

gnomAD v4.1: 2 of 1,610,574 alleles (0.00012%); highest among the groups gnomAD compares: East Asian, 0.0022%; no homozygotes.

Submission:

Ambry Genetics
Classification: Uncertain significance for Inborn genetic diseases. Last evaluated: 2024-12-20. Review status: criteria provided, single submitter. Criteria: Ambry Variant Classification Scheme 2023. Collection method: clinical testing. Allele origin: germline.
Comment: The p.R616S variant (also known as c.1848G>T), located in coding exon 11 of the FANCM gene, results from a G to T substitution at nucleotide position 1848. The arginine at codon 616 is replaced by serine, an amino acid with dissimilar properties. This amino acid position is conserved. In addition, this alteration is predicted to be tolerated by in silico analysis. Based on the available evidence, the clinical significance of this variant remains unclear.